The following is an entry in ClinVar:

NM_012280.4(FTSJ1):c.654C>T (p.Tyr218=)

Gene: FTSJ1 (FtsJ RNA 2'-O-methyltransferase 1; plus strand). Cytogenetic location: Xp11.23.
Variant type: single nucleotide variant.
Coding change: c.654C>T on transcript NM_012280.4 (MANE Select); coding-DNA position 654, C replaced by T.
Protein change: p.Tyr218=; no amino-acid change (tyrosine 218 retained).
Molecular consequence: synonymous variant.
Genome position (GRCh38, 1-based): chrX:48,481,714, C>T. VCF-style: chrX-48481714-C-T. GRCh37 (hg19) VCF-style: chrX-48340102-C-T.
Other names: c.243C>T, p.Tyr81= (NM_001282157.2); c.654C>T, p.Tyr218= (NM_177439.3).
Identifiers: ClinVar variation 723718 (VCV000723718.10), dbSNP rs141084617, ClinGen allele CA10402605.

ClinVar aggregate classification (germline): Benign/Likely benign. Review status: criteria provided, multiple submitters, no conflicts (2 of 4 stars). 5 submissions from 5 submitters: Benign (3); Likely benign (1). 1 of the submissions does not count toward it. Last evaluated 2025-11-16.

Conditions:
Inborn genetic diseases. Identifiers: MedGen C0950123, MeSH D030342.
FTSJ1-related disorder. Also called: FTSJ1-related condition.

Allele frequency attached by ClinVar (database versions not stated): gnomAD exomes 0.00052 and 0.00090; ExAC 0.00126; ESP Exome Variant Server 0.00151; gnomAD 0.00176 and 0.00178; TOPMed 0.00180; 1000 Genomes Project 30x 0.00312; 1000 Genomes Project 0.00344.
gnomAD v4.1: 744 of 1,141,415 alleles (0.065%); highest among the groups gnomAD compares: African/African-American, 0.5%; 3 homozygotes.

Submissions (5):

Labcorp Genetics (formerly Invitae), Labcorp
Classification: Benign. Last evaluated: 2025-11-16. Review status: criteria provided, single submitter. Criteria: Invitae Variant Classification Sherloc (09022015). Collection method: clinical testing. Allele origin: germline.

Blueprint Genetics
Classification: Likely benign. Last evaluated: 2024-09-23. Review status: criteria provided, single submitter. Criteria: ACMG Guidelines, 2015. Collection method: clinical testing. Allele origin: germline.

Ambry Genetics
Classification: Benign for Inborn genetic diseases. Last evaluated: 2018-09-29. Review status: criteria provided, single submitter. Criteria: Ambry Variant Classification Scheme 2023. Collection method: clinical testing. Allele origin: germline.

Breakthrough Genomics
Classification: Benign. Review status: criteria provided, single submitter. Criteria: ACMG Guidelines, 2015. Collection method: not provided. Allele origin: germline. Inheritance: X-linked inheritance. Affected: yes.

PreventionGenetics, part of Exact Sciences
Classification: Benign for FTSJ1-related condition. Last evaluated: 2019-08-14. Review status: no assertion criteria provided. Collection method: clinical testing. Allele origin: germline. Not counted in ClinVar's aggregate classification.
Comment: This variant is classified as benign based on ACMG/AMP sequence variant interpretation guidelines (Richards et al. 2015 PMID: 25741868, with internal and published modifications).